The following is an entry in ClinVar:

NM_000492.4(CFTR):c.1634G>T (p.Gly545Val)

Genes: CFTR (CF transmembrane conductance regulator; plus strand), LOC111674475 (CFTR intron 11 enhancer; plus strand). Cytogenetic location: 7q31.2.
Variant type: single nucleotide variant.
Coding change: c.1634G>T on transcript NM_000492.4 (MANE Select); coding-DNA position 1634, G replaced by T.
Protein change: p.Gly545Val; replaces glycine 545 with valine.
Molecular consequence: missense variant.
Genome position (GRCh38, 1-based): chr7:117,587,788, G>T. VCF-style: chr7-117587788-G-T. GRCh37 (hg19) VCF-style: chr7-117227842-G-T.
Other names: short protein forms G545V.
Identifiers: ClinVar variation 558716 (VCV000558716.3), dbSNP rs1387755887, ClinGen allele CA368976019.

ClinVar aggregate classification (germline): Uncertain significance. Review status: criteria provided, single submitter (1 of 4 stars). 2 submissions from 2 submitters: Uncertain significance (1). 1 of the submissions does not count toward it. Last evaluated 2025-05-29.

Conditions:
Cystic fibrosis (CF). Also called: MUCOVISCIDOSIS. Identifiers: Orphanet 586, MedGen C0010674, MONDO:0009061, OMIM 219700. Disease mechanism: loss of function.

Allele frequency attached by ClinVar (database versions not stated): TOPMed 0.00001.

Submissions (2):

Women's Health and Genetics/Laboratory Corporation of America, LabCorp
Classification: Uncertain significance. Last evaluated: 2025-05-29. Review status: criteria provided, single submitter. Criteria: LabCorp Variant Classification Summary - May 2015. Collection method: clinical testing. Allele origin: germline.
Comment: Variant summary: CFTR c.1634G>T (p.Gly545Val) results in a non-conservative amino acid change in the encoded protein sequence. Algorithms developed to predict the effect of missense changes on protein structure and function all suggest that this variant is likely to be disruptive. The variant was absent in 250940 control chromosomes (gnomAD). The available data on variant occurrences in the general population are insufficient to allow any conclusion about variant significance. c.1634G>T has been observed in at least one individual identified by newborn screening for cystic fibrosis (Kharrazi_2015, Currier_2017). These data do not allow any conclusion about variant significance. To our knowledge, no experimental evidence demonstrating an impact on protein function has been reported. A different missense affecting the same amino acid, G545R, has been reported to affect channel activity (PMID 38388235), suggesting a functional role for the affected residue. The following publications have been ascertained in the context of this evaluation (PMID: 26574590, 28471435). ClinVar contains an entry for this variant (Variation ID: 558716). Based on the evidence outlined above, the variant was classified as uncertain significance.

Counsyl
Classification: Uncertain significance for Cystic fibrosis. Last evaluated: 2018-06-06. Review status: no assertion criteria provided. Collection method: clinical testing. Allele origin: unknown. Not counted in ClinVar's aggregate classification.

Literature cited by the submitters: PubMed 26574590 (cited by Women's Health and Genetics/Laboratory Corporation of America, LabCorp and Counsyl); PubMed 28471435 (cited by Women's Health and Genetics/Laboratory Corporation of America, LabCorp).